The following is an entry in ClinVar:

ClinVar aggregate classification (germline): Uncertain significance (1 of 4 stars; one submission).

Conditions:
Inborn genetic diseases. Identifiers: MedGen C0950123, MeSH D030342.

Allele frequency attached by ClinVar (database versions not stated): gnomAD exomes below 0.00001.
gnomAD v4.1: 4 of 1,612,512 alleles (0.00025%); highest among the groups gnomAD compares: East Asian, 0.0022%; no homozygotes.

Submission:

Ambry Genetics
Classification: Uncertain significance for Inborn genetic diseases. Last evaluated: 2024-02-01. Review status: criteria provided, single submitter. Criteria: Ambry Variant Classification Scheme 2023. Collection method: clinical testing. Allele origin: germline.
Comment: The p.N677S variant (also known as c.2030A>G), located in coding exon 13 of the PIK3CA gene, results from an A to G substitution at nucleotide position 2030. The asparagine at codon 677 is replaced by serine, an amino acid with highly similar properties. This amino acid position is conserved. In addition, this alteration is predicted to be tolerated by in silico analysis. Since supporting evidence is limited at this time, the clinical significance of this alteration remains unclear.

NM_006218.4(PIK3CA):c.2030A>G (p.Asn677Ser)

Gene: PIK3CA (phosphatidylinositol-4,5-bisphosphate 3-kinase catalytic subunit alpha; plus strand). Cytogenetic location: 3q26.32.
Variant type: single nucleotide variant.
Coding change: c.2030A>G on transcript NM_006218.4 (MANE Select); coding-DNA position 2030, A replaced by G.
Protein change: p.Asn677Ser; replaces asparagine 677 with serine.
Molecular consequence: missense variant.
Genome position (GRCh38, 1-based): chr3:179,221,000, A>G. VCF-style: chr3-179221000-A-G. GRCh37 (hg19) VCF-style: chr3-178938788-A-G.
Other names: short protein forms N677S.
Identifiers: ClinVar variation 1784753 (VCV001784753.2), dbSNP rs2473530389, ClinGen allele CA355268770.